The following is an entry in ClinVar:

NM_053013.4(ENO3):c.910del (p.Trp304fs)

Gene: ENO3 (enolase 3; plus strand). Cytogenetic location: 17p13.2.
Variant type: Deletion.
Coding change: c.910del on transcript NM_053013.4 (MANE Select); coding-DNA position 910, one base deleted (T; older notation c.910delT).
Protein change: p.Trp304fs; shifts the reading frame from tryptophan 304.
Molecular consequence: frameshift variant.
Genome position (GRCh38, 1-based): chr17:4,955,986, T deleted; the last of 2 consecutive T bases (chr17:4,955,985-4,955,986); deleting either gives the same sequence. VCF-style (leftmost placement, unchanged base first): chr17-4955984-CT-C. GRCh37 (hg19) VCF-style: chr17-4859279-CT-C.
Other names: c.781del, p.Trp261fs (NM_001193503.2); c.910del, p.Trp304fs (NM_001374523.1, NM_001976.5); c.937del, p.Trp313fs (NM_001374524.1); short protein forms W261fs, W304fs, W313fs.
Identifiers: ClinVar variation 1927996 (VCV001927996.4), dbSNP rs1209738037, ClinGen allele CA624857072.

ClinVar aggregate classification (germline): Uncertain significance (1 of 4 stars; one submission).

Conditions:
Glycogen storage disease due to muscle beta-enolase deficiency (GSD13). Also called: ENOLASE 3 DEFICIENCY; ENOLASE-BETA DEFICIENCY; GSD XIII; Glycogen Storage Disease Type XIII. Identifiers: Orphanet 99849, MedGen C2752027, MONDO:0013046, OMIM 612932.

Submission:

Labcorp Genetics (formerly Invitae), Labcorp
Classification: Uncertain significance for Glycogen storage disease due to muscle beta-enolase deficiency. Last evaluated: 2022-07-25. Review status: criteria provided, single submitter. Criteria: Invitae Variant Classification Sherloc (09022015). Collection method: clinical testing. Allele origin: germline.
Comment: This sequence change creates a premature translational stop signal (p.Trp304Glyfs*8) in the ENO3 gene. It is expected to result in an absent or disrupted protein product. However, the current clinical and genetic evidence is not sufficient to establish whether loss-of-function variants in ENO3 cause disease. This variant is present in population databases (no rsID available, gnomAD 0.0009%). This variant has not been reported in the literature in individuals affected with ENO3-related conditions. In summary, the available evidence is currently insufficient to determine the role of this variant in disease. Therefore, it has been classified as a Variant of Uncertain Significance.